The following is an entry in ClinVar:

NM_025099.6(CTC1):c.33+6T>C

Genes: CTC1 (CST telomere replication complex component 1; minus strand), PFAS (phosphoribosylformylglycinamidine synthase; plus strand). Cytogenetic location: 17p13.1.
Variant type: single nucleotide variant.
Coding change: c.33+6T>C on transcript NM_025099.6 (MANE Select); 6 bases into the intron after coding-DNA position 33, T replaced by C.
Molecular consequence: intron variant.
Genome position (GRCh38, 1-based): chr17:8,247,998, A>G on the plus strand (T>C on the coding strand, the complement: CTC1 is on the minus strand). VCF-style: chr17-8247998-A-G. GRCh37 (hg19) VCF-style: chr17-8151316-A-G.
Identifiers: ClinVar variation 2413833 (VCV002413833.6), dbSNP rs1476850659, ClinGen allele CA624733055.
Genomic context (GRCh38, chr17:8,247,998, plus strand): 5'-AGGAAGAGAAAGAGTATCTGTGACAAACAAGAAAAAAGGAACAAGAGACGTAATAGCAGC[A>G]CTCACGGAGGAAGGGACCTGGGCCCGGCCAGCCGCCATGATGCGCCGGAGCTCCGCCCCC-3'

ClinVar aggregate classification (germline): Uncertain significance (1 of 4 stars; one submission).

Conditions:
Dyskeratosis congenita. Identifiers: Orphanet 1775, MedGen C0265965, MONDO:0015780.

Submission:

Labcorp Genetics (formerly Invitae), Labcorp
Classification: Uncertain significance for Dyskeratosis congenita. Last evaluated: 2022-03-19. Review status: criteria provided, single submitter. Criteria: Invitae Variant Classification Sherloc (09022015). Collection method: clinical testing. Allele origin: germline.
Comment: In summary, the available evidence is currently insufficient to determine the role of this variant in disease. Therefore, it has been classified as a Variant of Uncertain Significance. Variants that disrupt the consensus splice site are a relatively common cause of aberrant splicing (PMID: 17576681, 9536098). Algorithms developed to predict the effect of sequence changes on RNA splicing suggest that this variant is not likely to affect RNA splicing. This variant has not been reported in the literature in individuals affected with CTC1-related conditions. This variant is not present in population databases (gnomAD no frequency). This sequence change falls in intron 1 of the CTC1 gene. It does not directly change the encoded amino acid sequence of the CTC1 protein. It affects a nucleotide within the consensus splice site.

Literature cited by the submitters: PubMed 17576681; PubMed 9536098.